The following is an entry in ClinVar:

ClinVar aggregate classification (germline): Pathogenic (1 of 4 stars; one submission).

Submission:

Labcorp Genetics (formerly Invitae), Labcorp
Classification: Pathogenic. Last evaluated: 2025-05-04. Review status: criteria provided, single submitter. Criteria: Invitae Variant Classification Sherloc (09022015). Collection method: clinical testing. Allele origin: germline.
Comment: This sequence change creates a premature translational stop signal (p.Val547Serfs*74) in the CDH23 gene. It is expected to result in an absent or disrupted protein product. Loss-of-function variants in CDH23 are known to be pathogenic (PMID: 11138009, 21940737). This variant is not present in population databases (gnomAD no frequency). This variant has not been reported in the literature in individuals affected with CDH23-related conditions. For these reasons, this variant has been classified as Pathogenic.

Literature cited by the submitters: PubMed 11138009; PubMed 21940737.

NM_022124.6(CDH23):c.1639del (p.Val547fs)

Gene: CDH23 (cadherin related 23; plus strand). Cytogenetic location: 10q22.1.
Variant type: Deletion.
Coding change: c.1639del on transcript NM_022124.6 (MANE Select); coding-DNA position 1639, one base deleted (G; older notation c.1639delG).
Protein change: p.Val547fs; shifts the reading frame from valine 547.
Molecular consequence: frameshift variant.
Genome position (GRCh38, 1-based): chr10:71,677,580, G deleted; the last of 3 consecutive G bases (chr10:71,677,578-71,677,580); deleting any one gives the same sequence. VCF-style (leftmost placement, unchanged base first): chr10-71677577-CG-C. GRCh37 (hg19) VCF-style: chr10-73437334-CG-C.
Other names: c.1639del, p.Val547fs (NM_001171930.2, NM_001171931.2); short protein forms V547fs.
Identifiers: ClinVar variation 4718935 (VCV004718935.1).